The following is an entry in ClinVar:

NM_000384.3(APOB):c.1142C>G (p.Ala381Gly)

Gene: APOB (apolipoprotein B; minus strand). Cytogenetic location: 2p24.1.
Variant type: single nucleotide variant.
Coding change: c.1142C>G on transcript NM_000384.3 (MANE Select); coding-DNA position 1142, C replaced by G.
Protein change: p.Ala381Gly; replaces alanine 381 with glycine.
Molecular consequence: missense variant.
Genome position (GRCh38, 1-based): chr2:21,032,564, G>C on the plus strand (C>G on the coding strand, the complement: APOB is on the minus strand). VCF-style: chr2-21032564-G-C. GRCh37 (hg19) VCF-style: chr2-21255436-G-C.
Other names: short protein forms A381G.
Identifiers: ClinVar variation 4124925 (VCV004124925.2).

ClinVar aggregate classification (germline): Uncertain significance. Review status: criteria provided, multiple submitters, no conflicts (2 of 4 stars). 2 submissions from 2 submitters: Uncertain significance (2). Last evaluated 2025-07-14.

Conditions:
Cardiovascular phenotype. Identifiers: MedGen CN230736.

gnomAD v4.1: 1 of 1,614,060 alleles (0.000062%); highest among the groups gnomAD compares: Non-Finnish European, 0.000085%; no homozygotes.

Submissions (2):

GeneDx
Classification: Uncertain significance. Last evaluated: 2025-07-14. Review status: criteria provided, single submitter. Criteria: GeneDx Variant Classification Process June 2021. Collection method: clinical testing. Allele origin: germline. Affected: yes.
Comment: Not observed at significant frequency in large population cohorts (gnomAD); In silico analysis supports that this missense variant has a deleterious effect on protein structure/function; Has not been previously published as pathogenic or benign to our knowledge

Ambry Genetics
Classification: Uncertain significance for Cardiovascular phenotype. Last evaluated: 2025-06-28. Review status: criteria provided, single submitter. Criteria: Ambry Variant Classification Scheme 2023. Collection method: clinical testing. Allele origin: germline.
Comment: The p.A381G variant (also known as c.1142C>G), located in coding exon 10 of the APOB gene, results from a C to G substitution at nucleotide position 1142. The alanine at codon 381 is replaced by glycine, an amino acid with similar properties. This amino acid position is conserved. In addition, the in silico prediction for this alteration is inconclusive. Based on the available evidence, the clinical significance of this variant remains unclear.